The following is an entry in ClinVar:

NM_005228.5(EGFR):c.2361_2362delinsAA (p.Leu788Ile)

Genes: EGFR (epidermal growth factor receptor; plus strand), EGFR-AS1 (EGFR antisense RNA 1; minus strand). Cytogenetic location: 7p11.2.
Variant type: Indel.
Coding change: c.2361_2362delinsAA on transcript NM_005228.5 (MANE Select); coding-DNA positions 2361 to 2362, GC replaced by AA.
Protein change: p.Leu788Ile; replaces leucine 788 with isoleucine.
Molecular consequence: missense variant. On other transcripts: non-coding transcript variant (1).
Genome position (GRCh38, 1-based): chr7:55,181,370-55,181,371, GC replaced by AA. VCF-style: chr7-55181370-GC-AA. GRCh37 (hg19) VCF-style: chr7-55249063-GC-AA.
Other names: c.2226_2227delinsAA, p.Leu743Ile (NM_001346897.2, NM_001346899.2); c.2361_2362delinsAA, p.Leu788Ile (NM_001346898.2); c.2202_2203delinsAA, p.Leu735Ile (NM_001346900.2); c.1560_1561delinsAA, p.Leu521Ile (NM_001346941.2); short protein forms L521I, L788I, L735I, L743I.
Identifiers: ClinVar variation 1440478 (VCV001440478.6), dbSNP rs2128958623, ClinGen allele CA2573142238.
Genomic context (GRCh38, chr7:55,181,370, plus strand): 5'-CAGCGTGGACAACCCCCACGTGTGCCGCCTGCTGGGCATCTGCCTCACCTCCACCGTGCA[GC>AA]TCATCACGCAGCTCATGCCCTTCGGCTGCCTCCTGGACTATGTCCGGGAACACAAAGACA-3'
Protein context (NP_005219.2, residues 778-798): LGICLTSTVQ[Leu788Ile]ITQLMPFGCL

ClinVar aggregate classification (germline): Uncertain significance (1 of 4 stars; one submission).

Conditions:
EGFR-related lung cancer (EGFR). Identifiers: MedGen CN130014.

Submission:

Labcorp Genetics (formerly Invitae), Labcorp
Classification: Uncertain significance for EGFR-related lung cancer. Last evaluated: 2021-10-01. Review status: criteria provided, single submitter. Criteria: Invitae Variant Classification Sherloc (09022015). Collection method: clinical testing. Allele origin: germline.
Comment: In summary, the available evidence is currently insufficient to determine the role of this variant in disease. Therefore, it has been classified as a Variant of Uncertain Significance. Experimental studies and prediction algorithms are not available or were not evaluated, and the functional significance of this variant is currently unknown. This variant has not been reported in the literature in individuals affected with EGFR-related conditions. The frequency data for this variant in the population databases is not available, as this variant may be reported as separate entries in the ExAC database. This sequence change replaces leucine with isoleucine at codon 788 of the EGFR protein (p.Leu788Ile). The leucine residue is highly conserved and there is a small physicochemical difference between leucine and isoleucine.